The following is an entry in ClinVar:

NM_001199107.2(TBC1D24):c.*389C>A

Gene: TBC1D24 (TBC1 domain family member 24; plus strand). Cytogenetic location: 16p13.3.
Variant type: single nucleotide variant.
Coding change: c.*389C>A on transcript NM_001199107.2 (MANE Select); 389 bases downstream of the stop codon, C replaced by A.
Molecular consequence: 3 prime UTR variant.
Genome position (GRCh38, 1-based): chr16:2,501,347, C>A. VCF-style: chr16-2501347-C-A. GRCh37 (hg19) VCF-style: chr16-2551348-C-A.
Other names: c.*389C>A (NM_020705.3).
Identifiers: ClinVar variation 318628 (VCV000318628.6), dbSNP rs189378766, ClinGen allele CA10648179.

ClinVar aggregate classification (germline): Benign. Review status: criteria provided, multiple submitters, no conflicts (2 of 4 stars). 2 submissions from 2 submitters: Benign (2). Last evaluated 2018-01-12.

Conditions:
Familial infantile myoclonic epilepsy (FIME). Also called: TBC1D24-Related Familial Infantile Myoclonic Epilepsy (FIME); Epilepsy, Myoclonic, Infantile. Identifiers: Orphanet 352582, MedGen C0917800, MONDO:0011506, OMIM 605021.

Allele frequency attached by ClinVar (database versions not stated): gnomAD exomes 0.00432; 1000 Genomes Project 0.00799; gnomAD 0.00596 and 0.00603; 1000 Genomes Project 30x 0.00984; TOPMed 0.01228.
gnomAD v4.1: 1,463 of 279,298 alleles (0.52%); highest among the groups gnomAD compares: Admixed American, 6.3%; 54 homozygotes.

Submissions (2):

Illumina Laboratory Services, Illumina
Classification: Benign for Familial infantile myoclonic epilepsy. Last evaluated: 2018-01-12. Review status: criteria provided, single submitter. Criteria: ICSL Variant Classification Criteria 13 December 2019. Collection method: clinical testing. Allele origin: germline.
Comment: This variant was observed in the ICSL laboratory as part of a predisposition screen in an ostensibly healthy population. It had not been previously curated by ICSL or reported in the Human Gene Mutation Database (HGMD: prior to June 1st, 2018), and was therefore a candidate for classification through an automated scoring system. Utilizing variant allele frequency, disease prevalence and penetrance estimates, and inheritance mode, an automated score was calculated to assess if this variant is too frequent to cause the disease. Based on the score and internal cut-off values, a variant classified as benign is not then subjected to further curation. The score for this variant resulted in a classification of benign for this disease.

Breakthrough Genomics
Classification: Benign. Review status: criteria provided, single submitter. Criteria: ACMG Guidelines, 2015. Collection method: not provided. Allele origin: germline. Inheritance: Autosomal recessive inheritance. Affected: yes.